The following is an entry in ClinVar:

NC_000011.9:g.(?_108178614)_(108188258_?)del

Gene: ATM (ATM serine/threonine kinase; plus strand). Cytogenetic location: 11q22.3.
Variant type: Deletion.
Identifiers: ClinVar variation 1075723 (VCV001075723.5).

ClinVar aggregate classification (germline): Pathogenic (1 of 4 stars; one submission).

Conditions:
Ataxia-telangiectasia syndrome (AT). Also called: Cerebello-oculocutaneous telangiectasia; Immunodeficiency with ataxia telangiectasia; ATAXIA-TELANGIECTASIA, FRESNO VARIANT; Ataxia-telangiectasia, complementation group D; Ataxia telangiectasia (A-T); LOUIS-BAR SYNDROME. Identifiers: Orphanet 100, MedGen C0004135, MONDO:0008840, OMIM 208900.

Submission:

Labcorp Genetics (formerly Invitae), Labcorp
Classification: Pathogenic for Ataxia-telangiectasia syndrome. Last evaluated: 2023-04-18. Review status: criteria provided, single submitter. Criteria: Invitae Variant Classification Sherloc (09022015). Collection method: clinical testing. Allele origin: germline.
Comment: For these reasons, this variant has been classified as Pathogenic. This variant has not been reported in the literature in individuals affected with ATM-related conditions. This variant is a gross deletion of the genomic region encompassing exon(s) 38-43 of the ATM gene. This deletion is out-of-frame, and is expected to create a premature termination codon and result in an absent or disrupted protein product. Loss-of-function variants in ATM are known to be pathogenic (PMID: 23807571, 25614872).

Literature cited by the submitters: PubMed 23807571; PubMed 25614872.